The following is an entry in ClinVar:

NM_001267550.2(TTN):c.46973C>T (p.Pro15658Leu)

Genes: TTN (titin; minus strand), TTN-AS1 (TTN antisense RNA 1; plus strand). Cytogenetic location: 2q31.2.
Variant type: single nucleotide variant.
Coding change: c.46973C>T on transcript NM_001267550.2 (MANE Select); coding-DNA position 46973, C replaced by T.
Protein change: p.Pro15658Leu; replaces proline 15658 with leucine.
Molecular consequence: missense variant.
Genome position (GRCh38, 1-based): chr2:178,618,485, G>A on the plus strand (C>T on the coding strand, the complement: TTN is on the minus strand). VCF-style: chr2-178618485-G-A. GRCh37 (hg19) VCF-style: chr2-179483212-G-A.
Other names: p.P14017L:CCT>CTT; c.42050C>T, p.Pro14017Leu (NM_001256850.1); c.19778C>T, p.Pro6593Leu (NM_003319.4); c.39269C>T, p.Pro13090Leu (NM_133378.4); c.20153C>T, p.Pro6718Leu (NM_133432.3); c.20354C>T, p.Pro6785Leu (NM_133437.4); short protein forms P14017L, P15658L, P13090L, P6718L, P6785L, P6593L.
Identifiers: ClinVar variation 202653 (VCV000202653.3), dbSNP rs794729440, ClinGen allele CA309881.

ClinVar aggregate classification (germline): Uncertain significance. Review status: criteria provided, multiple submitters, no conflicts (2 of 4 stars). 2 submissions from 2 submitters: Uncertain significance (2). Last evaluated 2022-02-25.

Allele frequency attached by ClinVar (database versions not stated): gnomAD exomes below 0.00001.
gnomAD v4.1: 1 of 1,611,258 alleles (0.000062%); highest among the groups gnomAD compares: Non-Finnish European, 0.000085%; no homozygotes.

Submissions (2):

AiLife Diagnostics
Classification: Uncertain significance. Last evaluated: 2022-02-25. Review status: criteria provided, single submitter. Criteria: ACMG Guidelines, 2015. Collection method: clinical testing. Allele origin: germline. Affected: yes. Observed: 2 variant alleles.

GeneDx
Classification: Uncertain significance. Last evaluated: 2015-05-05. Review status: criteria provided, single submitter. Criteria: GeneDx Variant Classification (06012015). Collection method: clinical testing. Allele origin: germline. Affected: yes.
Comment: Missense variants in the TTN gene are considered 'unclassified' if they are not previously reported in the literature and do not have >1% frequency in the population to be considered a polymorphism. Research indicates that truncating mutations in the TTN gene are expected to account for approximately 25% of familial and 18% of sporadic idiopathic DCM; however, truncating variants in the TTN gene have been reported in approximately 3% of reported control alleles. There has been little investigation into non-truncating variants. (Herman D et al. Truncations of titin causing dilated cardiomyopathy. N Eng J Med 366:619-628, 2012) The variant is found in DCM-CRDM panel(s).

Literature cited by the submitters: PubMed 32039858 (cited by AiLife Diagnostics).